The following is an entry in ClinVar:

NM_002060.3(GJA4):c.375G>A (p.Arg125=)

Gene: GJA4 (gap junction protein alpha 4; plus strand). Cytogenetic location: 1p34.3.
Variant type: single nucleotide variant.
Coding change: c.375G>A on transcript NM_002060.3 (MANE Select); coding-DNA position 375, G replaced by A.
Protein change: p.Arg125=; no amino-acid change (arginine 125 retained).
Molecular consequence: synonymous variant.
Genome position (GRCh38, 1-based): chr1:34,794,588, G>A. VCF-style: chr1-34794588-G-A. GRCh37 (hg19) VCF-style: chr1-35260189-G-A.
Identifiers: ClinVar variation 3905959 (VCV003905959.10).
Genomic context (GRCh38, chr1:34,794,588, plus strand): 5'-GCTGCGGCAGAAGGAGGGGGAGCTGCGGGCACTGCCGGCCAAGGACCCACAGGTGGAGCG[G>A]GCGCTGGCGGCCGTAGAGCGTCAGATGGCCAAGATCTCGGTGGCAGAAGATGGTCGCCTG-3'
Protein context (NP_002051.2, residues 115-135): ALPAKDPQVE[Arg125=]ALAAVERQMA

ClinVar aggregate classification (germline): Likely benign (1 of 4 stars; one submission).

Submission:

CeGaT Center for Human Genetics Tuebingen
Classification: Likely benign. Last evaluated: 2025-06-01. Review status: criteria provided, single submitter. Criteria: CeGaT Center For Human Genetics Tuebingen Variant Classification Criteria Version 2. Collection method: clinical testing. Allele origin: germline. Affected: yes. Observed: 1 variant allele.
Comment: GJA4: PM2:Supporting, BP4, BP7